The following is an entry in ClinVar:

NM_006940.6(SOX5):c.814C>T (p.Gln272Ter)

Gene: SOX5 (SRY-box transcription factor 5; minus strand). Cytogenetic location: 12p12.1.
Variant type: single nucleotide variant.
Coding change: c.814C>T on transcript NM_006940.6 (MANE Select); coding-DNA position 814, C replaced by T.
Protein change: p.Gln272Ter; replaces glutamine 272 with a stop codon.
Molecular consequence: nonsense.
Genome position (GRCh38, 1-based): chr12:23,665,561, G>A on the plus strand (C>T on the coding strand, the complement: SOX5 is on the minus strand). VCF-style: chr12-23665561-G-A. GRCh37 (hg19) VCF-style: chr12-23818495-G-A.
Other names: c.775C>T, p.Gln259Ter (NM_001261414.3, NM_152989.5); c.784C>T, p.Gln262Ter (NM_001261415.3); c.709C>T, p.Gln237Ter (NM_001330785.2); short protein forms Q237*, Q259*, Q262*, Q272*.
Identifiers: ClinVar variation 2446711 (VCV002446711.2), dbSNP rs2549119118, ClinGen allele CA384318447.

ClinVar aggregate classification (germline): Likely pathogenic (1 of 4 stars; one submission).

Conditions:
Lamb-Shaffer syndrome. Identifiers: Orphanet 313884, Orphanet 313892, Orphanet 530983, MedGen C4225202, MONDO:0014778, OMIM 616803.

Submission:

Lifecell International Pvt. Ltd
Classification: Likely pathogenic for Lamb-Shaffer syndrome. Review status: criteria provided, single submitter. Criteria: ACMG Guidelines, 2015. Collection method: clinical testing. Allele origin: germline. Inheritance: Autosomal dominant inheritance. Affected: yes. Observed: 1 heterozygote.
Comment: A Heterozygous Nonsense variant c.814C>T in Exon 7 of the SOX5 gene that results in the amino acid substitution p.Gln272* was identified. The observed variant has is novel in gnomAD exomes and genomes, respectively. The severity of the impact of this variant on the protein is high, based on the effect of the protein and REVEL score . Rare Exome Variant Ensemble Learner (REVEL) is an ensembl method for predicting the pathogenicity of missense variants based on a combination of scores from 13 individual tools: MutPred, FATHMM v2.3, VEST 3.0, PolyPhen-2, SIFT, PROVEAN, MutationAssessor, MutationTaster, LRT, GERP++, SiPhy, phyloP, and phastCons. The REVEL score for an individual missense variant can range from 0 to 1, with higher scores reflecting greater likelihood that the variant is disease-causing. Based on the above evidence this variant has been classified as Likely Pathogenic according to the ACMG guidelines.